The following is an entry in ClinVar:

NM_000257.4(MYH7):c.4222A>G (p.Asn1408Asp)

Gene: MYH7 (myosin heavy chain 7; minus strand). Cytogenetic location: 14q11.2.
Variant type: single nucleotide variant.
Coding change: c.4222A>G on transcript NM_000257.4 (MANE Select); coding-DNA position 4222, A replaced by G.
Protein change: p.Asn1408Asp; replaces asparagine 1408 with aspartic acid.
Molecular consequence: missense variant.
Genome position (GRCh38, 1-based): chr14:23,417,634, T>C on the plus strand (A>G on the coding strand, the complement: MYH7 is on the minus strand). VCF-style: chr14-23417634-T-C. GRCh37 (hg19) VCF-style: chr14-23886843-T-C.
Other names: c.4222A>G, p.Asn1408Asp (NM_001407004.1); short protein forms N1408D.
Identifiers: ClinVar variation 1738837 (VCV001738837.3), dbSNP rs2502252029, ClinGen allele CA389040453.

ClinVar aggregate classification (germline): Uncertain significance (1 of 4 stars; one submission).

Conditions:
Cardiovascular phenotype. Identifiers: MedGen CN230736.

Submission:

Ambry Genetics
Classification: Uncertain significance for Cardiovascular phenotype. Last evaluated: 2025-02-27. Review status: criteria provided, single submitter. Criteria: Ambry Variant Classification Scheme 2023. Collection method: clinical testing. Allele origin: germline.
Comment: The p.N1408D variant (also known as c.4222A>G), located in coding exon 29 of the MYH7 gene, results from an A to G substitution at nucleotide position 4222. The asparagine at codon 1408 is replaced by aspartic acid, an amino acid with highly similar properties. This amino acid position is highly conserved in available vertebrate species. In addition, the in silico prediction for this alteration is inconclusive. Since supporting evidence is limited at this time, the clinical significance of this alteration remains unclear.